The following is an entry in ClinVar:

NM_001168478.2(ARMCX5):c.1556A>G (p.Lys519Arg)

Genes: ARMCX5 (armadillo repeat containing X-linked 5; plus strand), ARMCX5-GPRASP2 (ARMCX5-GPRASP2 readthrough; plus strand). Cytogenetic location: Xq22.1.
Variant type: single nucleotide variant.
Coding change: c.1556A>G on transcript NM_001168478.2 (MANE Select); coding-DNA position 1556, A replaced by G.
Protein change: p.Lys519Arg; replaces lysine 519 with arginine.
Molecular consequence: missense variant. On other transcripts: intron variant (2).
Genome position (GRCh38, 1-based): chrX:102,603,697, A>G. VCF-style: chrX-102603697-A-G. GRCh37 (hg19) VCF-style: chrX-101858625-A-G.
Other names: c.1556A>G, p.Lys519Arg (NM_001168479.2, NM_001168480.2, NM_001168482.2 and 2 more transcripts); c.-651-1785A>G (NM_001199818.1); c.-1137-1785A>G (NM_001350268.2); short protein forms K519R.
Identifiers: ClinVar variation 5029406 (VCV005029406.1).
Genomic context (GRCh38, chrX:102,603,697, plus strand): 5'-AGAATATAAATTTTCAGTTCAAAACAAAGGCAAAGCTATTTACCAAGGAAAAGTTCACTA[A>G]ATCTGAGCTTATTTCAATATTCCAGGAAGCAAAACAGTTTGGTCAGAAACTCCAAGACTT-3'
Protein context (NP_001161950.1, residues 509-529): AKLFTKEKFT[Lys519Arg]SELISIFQEA

ClinVar aggregate classification (germline): Uncertain significance (1 of 4 stars; one submission).

gnomAD v4.1: 15 of 1,204,461 alleles (0.0012%); highest among the groups gnomAD compares: Admixed American, 0.0022%; no homozygotes.

Submission:

Ambry Genetics
Classification: Uncertain significance. Last evaluated: 2026-08-04. Review status: criteria provided, single submitter. Criteria: Ambry Variant Classification Scheme 2023. Collection method: clinical testing. Allele origin: germline.
Comment: The c.1556A>G (p.K519R) alteration is located in exon 6 (coding exon 1) of the ARMCX5 gene. This alteration results from a A to G substitution at nucleotide position 1556, causing the lysine (K) at amino acid position 519 to be replaced by an arginine (R). Based on data from gnomAD, the G allele has an overall frequency of 0.003% (5/201756) total alleles studied. The highest observed frequency was 0.011% (2/18529) of European (Finnish) alleles. Based on insufficient or conflicting evidence, the clinical significance of this alteration remains unclear.